The following is an entry in ClinVar:

NM_001122630.2(CDKN1C):c.163C>T (p.Gln55Ter)

Gene: CDKN1C (cyclin dependent kinase inhibitor 1C; minus strand). Cytogenetic location: 11p15.4.
Variant type: single nucleotide variant.
Coding change: c.163C>T on transcript NM_001122630.2 (MANE Select); coding-DNA position 163, C replaced by T.
Protein change: p.Gln55Ter; replaces glutamine 55 with a stop codon.
Molecular consequence: nonsense.
Genome position (GRCh38, 1-based): chr11:2,885,294, G>A on the plus strand (C>T on the coding strand, the complement: CDKN1C is on the minus strand). VCF-style: chr11-2885294-G-A. GRCh37 (hg19) VCF-style: chr11-2906524-G-A.
Other names: c.196C>T, p.Gln66Ter (NM_000076.2, NM_001362474.2); c.163C>T, p.Gln55Ter (NM_001122631.2, NM_001362475.2); short protein forms Q55*, Q66*.
Identifiers: ClinVar variation 1937454 (VCV001937454.5), dbSNP rs2494389957, ClinGen allele CA379147434.
Genomic context (GRCh38, chr11:2,885,294, plus strand): 5'-AGTCGCTGTCCACTTCGGTCCACTGCAGGCGTCCAGGGCCCCGCAGCGGCATGTCCTGCT[G>A]GAAGTCGTAATCCCAGCGGTTCTGGTCCTCGGCGTTCAGCTCGGCCAGGCGGGCCTGCAG-3'

ClinVar aggregate classification (germline): Pathogenic (1 of 4 stars; one submission).

Conditions:
Beckwith-Wiedemann syndrome (BWS). Also called: Exomphalos macroglossia gigantism syndrome; EMG SYNDROME. Identifiers: Orphanet 116, MedGen C0004903, MONDO:0007534, OMIM 130650.

Allele frequency attached by ClinVar (database versions not stated): gnomAD exomes below 0.00001.

Submission:

Labcorp Genetics (formerly Invitae), Labcorp
Classification: Pathogenic for Beckwith-Wiedemann syndrome. Last evaluated: 2024-05-26. Review status: criteria provided, single submitter. Criteria: Invitae Variant Classification Sherloc (09022015). Collection method: clinical testing. Allele origin: germline.
Comment: This sequence change creates a premature translational stop signal (p.Gln66*) in the CDKN1C gene. It is expected to result in an absent or disrupted protein product. Loss-of-function variants in CDKN1C are known to be pathogenic (PMID: 20503313). This variant is not present in population databases (gnomAD no frequency). This premature translational stop signal has been observed in individual(s) with Beckwith-Wiedemann syndrome (PMID: 34065128). ClinVar contains an entry for this variant (Variation ID: 1937454). For these reasons, this variant has been classified as Pathogenic.

Literature cited by the submitters: PubMed 20503313; PubMed 34065128.